The following is an entry in ClinVar:

NM_001364905.1(LRBA):c.4485C>T (p.Gly1495=)

Gene: LRBA (LPS responsive beige-like anchor protein; minus strand). Cytogenetic location: 4q31.3.
Variant type: single nucleotide variant.
Coding change: c.4485C>T on transcript NM_001364905.1 (MANE Select); coding-DNA position 4485, C replaced by T.
Protein change: p.Gly1495=; no amino-acid change (glycine 1495 retained).
Molecular consequence: synonymous variant.
Genome position (GRCh38, 1-based): chr4:150,844,184, G>A on the plus strand (C>T on the coding strand, the complement: LRBA is on the minus strand). VCF-style: chr4-150844184-G-A. GRCh37 (hg19) VCF-style: chr4-151765336-G-A.
Other names: p.Gly1495=; c.4485C>T, p.Gly1495= (NM_001199282.3, NM_001367550.1, NM_006726.5).
Identifiers: ClinVar variation 403051 (VCV000403051.29), dbSNP rs11735845, ClinGen allele CA3102742.

ClinVar aggregate classification (germline): Benign/Likely benign. Review status: criteria provided, multiple submitters, no conflicts (2 of 4 stars). 7 submissions from 7 submitters: Benign (6); Likely benign (1). Last evaluated 2026-02-01.

Conditions:
Combined immunodeficiency due to LRBA deficiency. Also called: Common variable immunodeficiency 8, with autoimmunity. Identifiers: Orphanet 445018, MedGen C3553512, MONDO:0013863, OMIM 614700.

Allele frequency attached by ClinVar (database versions not stated): 1000 Genomes Project 0.01098; gnomAD exomes 0.02057 and 0.02903; gnomAD 0.02059 and 0.02120; ESP Exome Variant Server 0.02483; 1000 Genomes Project 30x 0.01109; ExAC 0.02012; TOPMed 0.02033.
gnomAD v4.1: 45,105 of 1,603,164 alleles (2.8%); highest among the groups gnomAD compares: Non-Finnish European, 3.3%; 803 homozygotes.

Submissions (7):

Labcorp Genetics (formerly Invitae), Labcorp
Classification: Benign for Combined immunodeficiency due to LRBA deficiency. Last evaluated: 2026-02-01. Review status: criteria provided, single submitter. Criteria: Invitae Variant Classification Sherloc (09022015). Collection method: clinical testing. Allele origin: germline.

Women's Health and Genetics/Laboratory Corporation of America, LabCorp
Classification: Benign. Last evaluated: 2026-01-22. Review status: criteria provided, single submitter. Criteria: LabCorp Variant Classification Summary - May 2015. Collection method: clinical testing. Allele origin: germline.

ARUP Laboratories, Molecular Genetics and Genomics, ARUP Laboratories
Classification: Benign for Combined immunodeficiency due to LRBA deficiency. Last evaluated: 2025-03-07. Review status: criteria provided, single submitter. Criteria: ARUP Molecular Germline Variant Investigation Process 2024. Collection method: clinical testing. Allele origin: germline.

Blueprint Genetics
Classification: Likely benign. Last evaluated: 2024-11-26. Review status: criteria provided, single submitter. Criteria: ACMG Guidelines, 2015. Collection method: clinical testing. Allele origin: germline.

Mayo Clinic Laboratories, Mayo Clinic
Classification: Benign. Last evaluated: 2018-11-13. Review status: criteria provided, single submitter. Criteria: ACMG Guidelines, 2015. Collection method: clinical testing. Allele origin: germline. Observed: 67 variant alleles.

Laboratory for Molecular Medicine, Mass General Brigham Personalized Medicine
Classification: Benign. Last evaluated: 2016-03-29. Review status: criteria provided, single submitter. Criteria: LMM Criteria. Collection method: clinical testing. Allele origin: germline.
Comment: Variant identified in a genome or exome case(s) and assessed due to predicted null impact of the variant or pathogenic assertions in the literature or databases. Disclaimer: This variant has not undergone full assessment. The following are preliminary notes: Frequency, silent variant not in splice consensus

Breakthrough Genomics
Classification: Benign. Review status: criteria provided, single submitter. Criteria: ACMG Guidelines, 2015. Collection method: not provided. Allele origin: germline. Inheritance: Autosomal recessive inheritance. Affected: yes.